The following is an entry in ClinVar:

NM_015015.3(KDM4B):c.3048G>A (p.Leu1016=)

Gene: KDM4B (lysine demethylase 4B; plus strand). Cytogenetic location: 19p13.3.
Variant type: single nucleotide variant.
Coding change: c.3048G>A on transcript NM_015015.3 (MANE Select); coding-DNA position 3048, G replaced by A.
Protein change: p.Leu1016=; no amino-acid change (leucine 1016 retained).
Molecular consequence: synonymous variant.
Genome position (GRCh38, 1-based): chr19:5,150,384, G>A. VCF-style: chr19-5150384-G-A. GRCh37 (hg19) VCF-style: chr19-5150395-G-A.
Other names: c.3150G>A, p.Leu1050= (NM_001411148.1).
Identifiers: ClinVar variation 4873166 (VCV004873166.2).

ClinVar aggregate classification (germline): Likely benign (1 of 4 stars; one submission).

gnomAD v4.1: 49 of 1,551,314 alleles (0.0032%); highest among the groups gnomAD compares: Non-Finnish European, 0.0037%; no homozygotes.

Submission:

CeGaT Center for Human Genetics Tuebingen
Classification: Likely benign. Last evaluated: 2026-04-01. Review status: criteria provided, single submitter. Criteria: CeGaT Center For Human Genetics Tuebingen Variant Classification Criteria Version 2. Collection method: clinical testing. Allele origin: germline. Affected: yes. Observed: 1 variant allele.
Comment: KDM4B: BP4, BP7